The following is an entry in ClinVar:

NM_000352.6(ABCC8):c.3413C>T (p.Thr1138Met)

Gene: ABCC8 (ATP binding cassette subfamily C member 8; minus strand). Cytogenetic location: 11p15.1.
Variant type: single nucleotide variant.
Coding change: c.3413C>T on transcript NM_000352.6 (MANE Select); coding-DNA position 3413, C replaced by T.
Protein change: p.Thr1138Met; replaces threonine 1138 with methionine.
Molecular consequence: missense variant. On other transcripts: non-coding transcript variant (1).
Genome position (GRCh38, 1-based): chr11:17,404,656, G>A on the plus strand (C>T on the coding strand, the complement: ABCC8 is on the minus strand). VCF-style: chr11-17404656-G-A. GRCh37 (hg19) VCF-style: chr11-17426203-G-A.
Other names: c.3416C>T, p.Thr1139Met (NM_001287174.3); c.3479C>T, p.Thr1160Met (NM_001351295.2); c.3413C>T, p.Thr1138Met (NM_001351296.2); c.3410C>T, p.Thr1137Met (NM_001351297.2); short protein forms T1137M, T1160M, T1138M, T1139M.
Identifiers: ClinVar variation 804491 (VCV000804491.12), dbSNP rs201351976, ClinGen allele CA5902811.

ClinVar aggregate classification (germline): Uncertain significance. Review status: criteria provided, multiple submitters, no conflicts (2 of 4 stars). 8 submissions from 8 submitters: Uncertain significance (7). 1 of the submissions does not count toward it. Last evaluated 2024-09-01.

Conditions:
Hereditary hyperinsulinism.
Diabetes mellitus, permanent neonatal 3. Also called: ABCC8-Related Permanent Neonatal Diabetes Mellitus. Identifiers: MedGen C5394303, MONDO:0030088, OMIM 618857.
Diabetes mellitus, transient neonatal, 2 (TNDM2). Identifiers: Orphanet 99886, MedGen C1835887, MONDO:0012480, OMIM 610374. Disease mechanism: loss of function.
Hyperinsulinemic hypoglycemia, familial, 1 (HHF1). Also called: HYPERINSULINISM, FAMILIAL, WITH PANCREATIC NESIDIOBLASTOSIS; HYPOGLYCEMIA, HYPERINSULINEMIC, OF INFANCY; NESIDIOBLASTOSIS OF PANCREAS; Persistent hyperinsulinemic hypoglycemia of infancy; Persistent Hyperinsulinemia Hypoglycemia of Infancy. Identifiers: Orphanet 276575, Orphanet 276598, MedGen C2931832, MONDO:0009734, OMIM 256450.
Leucine-induced hypoglycemia (LIH). Also called: LEUCINE-SENSITIVE HYPOGLYCEMIA OF INFANCY. Identifiers: MedGen C0271714, MONDO:0009415, OMIM 240800.
Type 2 diabetes mellitus. Also called: Type II diabetes mellitus. Identifiers: MedGen C0011860, MeSH D003924, MONDO:0005148, OMIM 125853, HP:0005978.

Allele frequency attached by ClinVar (database versions not stated): ExAC 0.00003; TOPMed 0.00008; ESP Exome Variant Server 0.00015; gnomAD exomes 0.00003; gnomAD 0.00008.
gnomAD v4.1: 58 of 1,609,942 alleles (0.0036%); highest among the groups gnomAD compares: South Asian, 0.0044%; no homozygotes.

Submissions (8):

Labcorp Genetics (formerly Invitae), Labcorp
Classification: Uncertain significance. Last evaluated: 2024-09-01. Review status: criteria provided, single submitter. Criteria: Invitae Variant Classification Sherloc (09022015). Collection method: clinical testing. Allele origin: germline.
Comment: This sequence change replaces threonine, which is neutral and polar, with methionine, which is neutral and non-polar, at codon 1138 of the ABCC8 protein (p.Thr1138Met). This variant is present in population databases (rs201351976, gnomAD 0.007%). This missense change has been observed in individual(s) with familial hyperinsulinism (PMID: 9618169). This variant is also known as 3416C>T (T1139M). ClinVar contains an entry for this variant (Variation ID: 804491). Invitae Evidence Modeling of protein sequence and biophysical properties (such as structural, functional, and spatial information, amino acid conservation, physicochemical variation, residue mobility, and thermodynamic stability) has been performed for this missense variant. However, the output from this modeling did not meet the statistical confidence thresholds required to predict the impact of this variant on ABCC8 protein function. Experimental studies are conflicting or provide insufficient evidence to determine the effect of this variant on ABCC8 function (PMID: 9648840). In summary, the available evidence is currently insufficient to determine the role of this variant in disease. Therefore, it has been classified as a Variant of Uncertain Significance.

Women's Health and Genetics/Laboratory Corporation of America, LabCorp
Classification: Uncertain significance. Last evaluated: 2022-06-10. Review status: criteria provided, single submitter. Criteria: LabCorp Variant Classification Summary - May 2015. Collection method: clinical testing. Allele origin: germline.
Comment: Variant summary: ABCC8 c.3413C>T (p.Thr1138Met) results in a non-conservative amino acid change located in the ABC transporter type 1, transmembrane domain (IPR011527) of the encoded protein sequence. Three of five in-silico tools predict a damaging effect of the variant on protein function. The variant allele was found at a frequency of 3.3e-05 in 242956 control chromosomes (gnomAD). The available data on variant occurrences in the general population are insufficient to allow any conclusion about variant significance. c.3413C>T has been reported in the literature as part of a complex allele with c.4178G>A [p.Arg1393His] in at least one individual affected with Familial Hyperinsulinism (Nestorowicz_1998). This report does not provide unequivocal conclusion about association of the variant with Familial Hyperinsulinism. A functional report from the same lab using transfected COSm6 cells determined that the variant of interest had mild effects on K-ATP channel activity (Shyng_1998). Shyng_1998 also determined that the second variant, p.Arg1393His, was nonfunctional, suggesting p.Arg1393His is the primary cause of hyperinsulinism in the patient identified in Nestorowicz_1998. Four ClinVar submitters have assessed the variant since 2014: all classified the variant as of uncertain significance. Based on the evidence outlined above, the variant was classified as uncertain significance.

Blueprint Genetics
Classification: Uncertain significance. Last evaluated: 2022-04-05. Review status: criteria provided, single submitter. Criteria: ACMG Guidelines, 2015. Collection method: clinical testing. Allele origin: germline.

Fulgent Genetics
Classification: Uncertain significance for Type 2 diabetes mellitus; Leucine-induced hypoglycemia; Hyperinsulinemic hypoglycemia, familial, 1; Diabetes mellitus, transient neonatal, 2; Diabetes mellitus, permanent neonatal 3. Last evaluated: 2022-03-05. Review status: criteria provided, single submitter. Criteria: ACMG Guidelines, 2015. Collection method: clinical testing. Allele origin: unknown.

GeneDx
Classification: Uncertain significance. Last evaluated: 2020-11-17. Review status: criteria provided, single submitter. Criteria: GeneDx Variant Classification Process June 2021. Collection method: clinical testing. Allele origin: germline. Affected: yes.
Comment: In silico analysis supports that this missense variant has a deleterious effect on protein structure/function; Observed in an individual with familial hyperinsulinism and reported as a complex allele with the R1394H variant (Nestorowicz et al., 1998); however, in vitro functional studies demonstrate R1394H results in a damaging effect on function and T1138M has no significant effect compared to wildtype, suggesting R1394H is the causative variant (Shyng et al., 1998); This variant is associated with the following publications: (PMID: 9648840, 9618169)

Genetic Services Laboratory, University of Chicago
Classification: Uncertain significance. Last evaluated: 2019-07-03. Review status: criteria provided, single submitter. Criteria: ACMG Guidelines, 2015. Collection method: clinical testing. Allele origin: germline. Affected: no.

Athena Diagnostics
Classification: Uncertain significance. Last evaluated: 2018-09-28. Review status: criteria provided, single submitter. Criteria: Athena Diagnostics Criteria. Collection method: clinical testing. Allele origin: germline.

Natera, Inc.
Classification: Uncertain significance for Hereditary hyperinsulinism. Last evaluated: 2020-09-16. Review status: no assertion criteria provided. Collection method: clinical testing. Allele origin: germline. Not counted in ClinVar's aggregate classification.

Literature cited by the submitters: PubMed 9618169 (cited by 3 submitters); PubMed 9648840 (cited by 3 submitters).